The following is an entry in ClinVar:

ClinVar aggregate classification (germline): Likely pathogenic (1 of 4 stars; one submission).

Submissions (2):

Labcorp Genetics (formerly Invitae), Labcorp
Classification: Likely pathogenic. Last evaluated: 2022-06-28. Review status: criteria provided, single submitter. Criteria: Invitae Variant Classification Sherloc (09022015). Collection method: clinical testing. Allele origin: germline.
Comment: This sequence change affects a donor splice site in intron 14 of the CAD gene. It is expected to disrupt RNA splicing. Variants that disrupt the donor or acceptor splice site typically lead to a loss of protein function (PMID: 16199547), and loss-of-function variants in CAD are known to be pathogenic (PMID: 28007989, 32117025, 32820246, 33497533). This variant is not present in population databases (gnomAD no frequency). This variant has not been reported in the literature in individuals affected with CAD-related conditions. Algorithms developed to predict the effect of sequence changes on RNA splicing suggest that this variant may disrupt the consensus splice site. In summary, the currently available evidence indicates that the variant is pathogenic, but additional data are needed to prove that conclusively. Therefore, this variant has been classified as Likely Pathogenic.

Dr. Peter K. Rogan Lab, Western University
No classification provided (evidence only). Condition: Pancreatic adenocarcinoma. Review status: no classification provided. Collection method: in vitro. Allele origin: not applicable. Functional consequence: retained intron. Not counted in ClinVar's aggregate classification.

Literature cited by the submitters: PubMed 16199547 (cited by Labcorp Genetics (formerly Invitae), Labcorp); PubMed 28007989 (cited by Labcorp Genetics (formerly Invitae), Labcorp); PubMed 32117025 (cited by Labcorp Genetics (formerly Invitae), Labcorp); PubMed 32820246 (cited by Labcorp Genetics (formerly Invitae), Labcorp); PubMed 33497533 (cited by Labcorp Genetics (formerly Invitae), Labcorp).

NM_004341.5(CAD):c.2156+1G>A

Gene: CAD (carbamoyl-phosphate synthetase 2, aspartate transcarbamylase, and dihydroorotase; plus strand). Cytogenetic location: 2p23.3.
Variant type: single nucleotide variant.
Coding change: c.2156+1G>A on transcript NM_004341.5 (MANE Select); the canonical splice donor site of the intron after coding-DNA position 2156, G replaced by A.
Molecular consequence: splice donor variant.
Genome position (GRCh38, 1-based): chr2:27,226,650, G>A. VCF-style: chr2-27226650-G-A. GRCh37 (hg19) VCF-style: chr2-27449518-G-A.
Other names: c.1967+1G>A (NM_001306079.2).
Identifiers: ClinVar variation 2198484 (VCV002198484.2), dbSNP rs2465306442, ClinGen allele CA346208123.
Genomic context (GRCh38, chr2:27,226,650, plus strand): 5'-TTATCCACTGGCTTATGTGGCAGCCAAGCTAGCATTGGGCATCCCTTTGCCTGAGCTCAG[G>A]TACGAGGATGAGGGAGATATCACAGTGGGGAAGTGGGTCGGGGGCTGAGGAAAATATTGA-3'